The following is an entry in ClinVar:

ClinVar aggregate classification (germline): Pathogenic/Likely pathogenic. Review status: criteria provided, multiple submitters, no conflicts (2 of 4 stars). 4 submissions from 4 submitters: Pathogenic (3); Likely pathogenic (1). Last evaluated 2025-11-21.

Conditions:
Familial cancer of breast. Also called: hereditary breast carcinoma; Hereditary breast cancer; BREAST CANCER, FAMILIAL. Identifiers: Orphanet 227535, MedGen C0346153, MONDO:0016419, OMIM 114480. Disease mechanism: loss of function.
Familial ovarian cancer. Identifiers: MedGen C5679802, MONDO:0016248.
Fanconi anemia complementation group J. Also called: BRIP1-Related Fanconi Anemia. Identifiers: Orphanet 84, MedGen C1836860, MONDO:0012187, OMIM 609054.
Hereditary cancer-predisposing syndrome. Also called: Hereditary Cancer Syndrome; Neoplastic Syndromes, Hereditary; Tumor predisposition; Hereditary neoplastic syndrome. Identifiers: Orphanet 140162, MedGen C0027672, MeSH D009386, MONDO:0015356.

Submissions (4):

Dasa
Classification: Likely pathogenic for Familial ovarian cancer. Last evaluated: 2025-11-21. Review status: criteria provided, single submitter. Criteria: DASA Assertion Criteria. Collection method: clinical testing. Allele origin: germline.
Comment: NM_032043.3(BRIP1):c.630_637del (p.Pro211Leufs*3) is a frameshift variant in BRIP1 predicted to alter the reading frame and introduce a premature termination codon and is predicted to result in an absent or altered protein product. Loss of function is an established disease mechanism for BRIP1 (PMID: 29368626; PMID: 26720728; PMID: 26315354). Published studies describe this variant in association with related phenotype (PMID: 29368626). Also, this variant is absent from population databases. Based on the currently available evidence, this variant is classified as likely pathogenic.

Labcorp Genetics (formerly Invitae), Labcorp
Classification: Pathogenic for Familial cancer of breast; Fanconi anemia complementation group J. Last evaluated: 2024-12-08. Review status: criteria provided, single submitter. Criteria: Invitae Variant Classification Sherloc (09022015). Collection method: clinical testing. Allele origin: germline.
Comment: This sequence change creates a premature translational stop signal (p.Pro211Leufs*3) in the BRIP1 gene. It is expected to result in an absent or disrupted protein product. Loss-of-function variants in BRIP1 are known to be pathogenic (PMID: 16116423, 17033622, 21964575). This variant is not present in population databases (gnomAD no frequency). This variant has not been reported in the literature in individuals affected with BRIP1-related conditions. ClinVar contains an entry for this variant (Variation ID: 826308). For these reasons, this variant has been classified as Pathogenic.

Myriad Genetics, Inc.
Classification: Pathogenic for Familial cancer of breast. Last evaluated: 2023-05-31. Review status: criteria provided, single submitter. Criteria: Myriad Autosomal Dominant, Autosomal Recessive and X-Linked Classification Criteria (2023). Collection method: clinical testing. Allele origin: unknown.
Comment: This variant is considered pathogenic. This variant creates a frameshift predicted to result in premature protein truncation.

Ambry Genetics
Classification: Pathogenic for Hereditary cancer-predisposing syndrome. Last evaluated: 2018-12-06. Review status: criteria provided, single submitter. Criteria: Ambry Variant Classification Scheme 2023. Collection method: clinical testing. Allele origin: germline.
Comment: The c.630_637delCCCTGGCC pathogenic mutation, located in coding exon 6 of the BRIP1 gene, results from a deletion of 8 nucleotides at nucleotide positions 630 to 637, causing a translational frameshift with a predicted alternate stop codon (p.P211Lfs*3). This alteration is expected to result in loss of function by premature protein truncation or nonsense-mediated mRNA decay. As such, this alteration is interpreted as a disease-causing mutation.

Literature cited by the submitters: PubMed 29368626 (cited by Dasa); PubMed 26720728 (cited by Dasa); PubMed 26315354 (cited by Dasa); PubMed 16116423 (cited by Labcorp Genetics (formerly Invitae), Labcorp); PubMed 17033622 (cited by Labcorp Genetics (formerly Invitae), Labcorp); PubMed 21964575 (cited by Labcorp Genetics (formerly Invitae), Labcorp).

NM_032043.3(BRIP1):c.630_637del

Gene: BRIP1 (BRCA1 interacting DNA helicase 1; minus strand). Cytogenetic location: 17q23.2.
Variant type: Deletion.
Coding change: c.630_637del on transcript NM_032043.3 (MANE Select); coding-DNA positions 630 to 637, 8 bases deleted (CCCTGGCC; older notation c.630_637delCCCTGGCC).
Molecular consequence: splice acceptor variant.
Genome position (GRCh38, 1-based): chr17:61,808,748-61,808,755, GGCCAGGG deleted on the plus strand (CCCTGGCC on the coding strand, the reverse complement: BRIP1 is on the minus strand); deleting any 8 consecutive bases within chr17:61,808,748-61,808,758 gives the same sequence; the c. name uses the placement nearest the transcript's 3' end. VCF-style (leftmost placement, unchanged base first): chr17-61808747-TGGCCAGGG-T. GRCh37 (hg19) VCF-style: chr17-59886108-TGGCCAGGG-T.
Identifiers: ClinVar variation 826308 (VCV000826308.12), dbSNP rs1603347058, ClinGen allele CA915950721.